The following is an entry in ClinVar:

NM_000320.3(QDPR):c.332G>T (p.Ser111Ile)

Gene: QDPR (quinoid dihydropteridine reductase; minus strand). Cytogenetic location: 4p15.32.
Variant type: single nucleotide variant.
Coding change: c.332G>T on transcript NM_000320.3 (MANE Select); coding-DNA position 332, G replaced by T.
Protein change: p.Ser111Ile; replaces serine 111 with isoleucine.
Molecular consequence: missense variant. On other transcripts: non-coding transcript variant (1).
Genome position (GRCh38, 1-based): chr4:17,501,823, C>A on the plus strand (G>T on the coding strand, the complement: QDPR is on the minus strand). VCF-style: chr4-17501823-C-A. GRCh37 (hg19) VCF-style: chr4-17503446-C-A.
Other names: c.239G>T, p.Ser80Ile (NM_001306140.2); short protein forms S80I, S111I.
Identifiers: ClinVar variation 2132759 (VCV002132759.4), dbSNP rs1718573663, ClinGen allele CA356448673.

ClinVar aggregate classification (germline): Uncertain significance (1 of 4 stars; one submission).

Conditions:
Dihydropteridine reductase deficiency (HPABH4C). Also called: BH4-Deficient Hyperphenylalaninemia C; HYPERPHENYLALANINEMIA, TETRAHYDROBIOPTERIN-DEFICIENT, DUE TO DHPR DEFICIENCY; QDPR DEFICIENCY; QUINOID DIHYDROPTERIDINE REDUCTASE DEFICIENCY; Phenylketonuria II; Hyperphenylalaninemia due to dihydropteridine reductase deficiency. Identifiers: Orphanet 226, Orphanet 238583, MedGen C0268465, MONDO:0009862, OMIM 261630.

Submission:

Labcorp Genetics (formerly Invitae), Labcorp
Classification: Uncertain significance for Dihydropteridine reductase deficiency. Last evaluated: 2022-05-03. Review status: criteria provided, single submitter. Criteria: Invitae Variant Classification Sherloc (09022015). Collection method: clinical testing. Allele origin: germline.
Comment: Algorithms developed to predict the effect of missense changes on protein structure and function (SIFT, PolyPhen-2, Align-GVGD) all suggest that this variant is likely to be disruptive. This sequence change replaces serine, which is neutral and polar, with isoleucine, which is neutral and non-polar, at codon 111 of the QDPR protein (p.Ser111Ile). This variant is not present in population databases (gnomAD no frequency). This variant has not been reported in the literature in individuals affected with QDPR-related conditions. In summary, the available evidence is currently insufficient to determine the role of this variant in disease. Therefore, it has been classified as a Variant of Uncertain Significance.